The following is an entry in ClinVar:

NM_004973.4(JARID2):c.3694C>T (p.Arg1232Cys)

Gene: JARID2 (jumonji and AT-rich interaction domain containing 2; plus strand). Cytogenetic location: 6p22.3.
Variant type: single nucleotide variant.
Coding change: c.3694C>T on transcript NM_004973.4 (MANE Select); coding-DNA position 3694, C replaced by T.
Protein change: p.Arg1232Cys; replaces arginine 1232 with cysteine.
Molecular consequence: missense variant.
Genome position (GRCh38, 1-based): chr6:15,520,204, C>T. VCF-style: chr6-15520204-C-T. GRCh37 (hg19) VCF-style: chr6-15520435-C-T.
Other names: c.3178C>T, p.Arg1060Cys (NM_001267040.1); short protein forms R1060C, R1232C.
Identifiers: ClinVar variation 4821321 (VCV004821321.4).

ClinVar aggregate classification (germline): Likely benign (1 of 4 stars; one submission).

gnomAD v4.1: 175 of 1,613,526 alleles (0.011%); highest among the groups gnomAD compares: Admixed American, 0.062%; 1 homozygote.

Submission:

CeGaT Center for Human Genetics Tuebingen
Classification: Likely benign. Last evaluated: 2025-12-01. Review status: criteria provided, single submitter. Criteria: CeGaT Center For Human Genetics Tuebingen Variant Classification Criteria Version 2. Collection method: clinical testing. Allele origin: germline. Affected: yes. Observed: 1 variant allele.
Comment: JARID2: BP4, BS1:Supporting